The following is an entry in ClinVar:

ClinVar aggregate classification (germline): Conflicting classifications of pathogenicity. Review status: criteria provided, conflicting classifications (1 of 4 stars). 2 submissions from 2 submitters: Uncertain significance (1); Likely benign (1). Last evaluated 2024-02-13.

Conditions:
Inborn genetic diseases. Identifiers: MedGen C0950123, MeSH D030342.

Allele frequency attached by ClinVar (database versions not stated): ExAC 0.00002; TOPMed 0.00005; gnomAD 0.00006; ESP Exome Variant Server 0.00008.

Submissions (2):

Labcorp Genetics (formerly Invitae), Labcorp
Classification: Uncertain significance. Last evaluated: 2024-02-13. Review status: criteria provided, single submitter. Criteria: Invitae Variant Classification Sherloc (09022015). Collection method: clinical testing. Allele origin: germline.
Comment: This sequence change replaces arginine, which is basic and polar, with cysteine, which is neutral and slightly polar, at codon 72 of the GSN protein (p.Arg72Cys). This variant is present in population databases (rs373791435, gnomAD 0.02%). This variant has not been reported in the literature in individuals affected with GSN-related conditions. ClinVar contains an entry for this variant (Variation ID: 2241533). An algorithm developed to predict the effect of missense changes on protein structure and function (PolyPhen-2) suggests that this variant is likely to be disruptive. In summary, the available evidence is currently insufficient to determine the role of this variant in disease. Therefore, it has been classified as a Variant of Uncertain Significance.

Ambry Genetics
Classification: Likely benign for Inborn genetic diseases. Last evaluated: 2021-08-09. Review status: criteria provided, single submitter. Criteria: Ambry Variant Classification Scheme 2023. Collection method: clinical testing. Allele origin: germline.

NM_198252.3(GSN):c.61C>T (p.Arg21Cys)

Gene: GSN (gelsolin; plus strand). Cytogenetic location: 9q33.2.
Variant type: single nucleotide variant.
Coding change: c.61C>T on transcript NM_198252.3 (MANE Select); coding-DNA position 61, C replaced by T.
Protein change: p.Arg21Cys; replaces arginine 21 with cysteine.
Molecular consequence: missense variant. On other transcripts: intron variant (1).
Genome position (GRCh38, 1-based): chr9:121,302,032, C>T. VCF-style: chr9-121302032-C-T. GRCh37 (hg19) VCF-style: chr9-124064310-C-T.
Other names: c.214C>T, p.Arg72Cys (NM_000177.5); c.61C>T, p.Arg21Cys (NM_001127662.2, NM_001127664.2, NM_001127665.2 and 10 more transcripts); c.169C>T, p.Arg57Cys (NM_001127663.2); c.94C>T, p.Arg32Cys (NM_001127666.2, NM_001127667.2, NM_001353063.2 and 13 more transcripts); c.112C>T, p.Arg38Cys (NM_001258029.2); c.85C>T, p.Arg29Cys (NM_001258030.2); c.133C>T, p.Arg45Cys (NM_001353076.2); c.-458-879C>T (NM_001353078.2); short protein forms R29C, R45C, R57C, R72C, R21C, R32C, R38C.
Identifiers: ClinVar variation 2241533 (VCV002241533.4), dbSNP rs373791435, ClinGen allele CA5220749.